The following is an entry in ClinVar:

NM_001042492.3(NF1):c.846G>A (p.Gln282=)

Gene: NF1 (neurofibromin 1; plus strand). Cytogenetic location: 17q11.2.
Variant type: single nucleotide variant.
Coding change: c.846G>A on transcript NM_001042492.3 (MANE Select); coding-DNA position 846, G replaced by A.
Protein change: p.Gln282=; no amino-acid change (glutamine 282 retained).
Molecular consequence: synonymous variant.
Genome position (GRCh38, 1-based): chr17:31,182,623, G>A. VCF-style: chr17-31182623-G-A. GRCh37 (hg19) VCF-style: chr17-29509641-G-A.
Other names: p.Gln282=; c.846G>A, p.Gln282= (NM_000267.4, NM_001128147.3).
Identifiers: ClinVar variation 184123 (VCV000184123.50), dbSNP rs138840528, ClinGen allele CA187856.

ClinVar aggregate classification (germline): Benign/Likely benign. Review status: criteria provided, multiple submitters, no conflicts (2 of 4 stars). 26 submissions from 21 submitters: Benign (14); Likely benign (8). 4 of the submissions do not count toward it. Last evaluated 2026-05-14.

Conditions:
Hereditary cancer-predisposing syndrome. Also called: Tumor predisposition; Hereditary neoplastic syndrome; Neoplastic Syndromes, Hereditary; Hereditary Cancer Syndrome. Identifiers: Orphanet 140162, MedGen C0027672, MeSH D009386, MONDO:0015356.
Cardiovascular phenotype. Identifiers: MedGen CN230736.
Myopathy, centronuclear, 5 (CNM5). Identifiers: Orphanet 169186, MedGen C4014814, MONDO:0014418, OMIM 615959.
Neurofibromatosis, type 1 (NF1). Also called: Neurofibromatosis, type I; NEUROFIBROMATOSIS, TYPE I, SOMATIC; VON RECKLINGHAUSEN DISEASE; Peripheral type neurofibromatosis. Identifiers: Orphanet 636, MedGen C0027831, MONDO:0018975, OMIM 162200. Disease mechanism: loss of function.
Neurofibromatosis, familial spinal (FSNF). Identifiers: Orphanet 636, MedGen C1834235, MONDO:0008078, OMIM 162210. Disease mechanism: loss of function.
Café-au-lait macules with pulmonary stenosis (WTSN). Also called: PULMONIC STENOSIS WITH CAFE-AU-LAIT SPOTS. Identifiers: MedGen C0553586, MONDO:0008672, OMIM 193520.
Neurofibromatosis-Noonan syndrome (NFNS). Also called: NEUROFIBROMATOSIS WITH NOONAN PHENOTYPE. Identifiers: Orphanet 638, MedGen C2931482, MONDO:0011035, OMIM 601321. Disease mechanism: loss of function.

Allele frequency attached by ClinVar (database versions not stated): gnomAD 0.00149 and 0.00237; TOPMed 0.00164; 1000 Genomes Project 0.00619; gnomAD exomes 0.00548 and 0.00376; 1000 Genomes Project 30x 0.00593; ESP Exome Variant Server 0.00169; ExAC 0.00605.
gnomAD v4.1: 5,902 of 1,613,864 alleles (0.37%); highest among the groups gnomAD compares: South Asian, 3.3%; 90 homozygotes.

Submissions (26):

Myriad Genetics, Inc.
Classification: Benign for Neurofibromatosis, type 1. Last evaluated: 2026-05-14. Review status: criteria provided, single submitter. Criteria: Myriad Autosomal Dominant, Autosomal Recessive and X-Linked Classification Criteria (2023). Collection method: clinical testing. Allele origin: unknown.
Comment: This variant is considered benign. This variant is a silent/synonymous amino acid change and it is not expected to impact splicing.

Labcorp Genetics (formerly Invitae), Labcorp
Classification: Benign for Neurofibromatosis, type 1. Last evaluated: 2026-02-04. Review status: criteria provided, single submitter. Criteria: Invitae Variant Classification Sherloc (09022015). Collection method: clinical testing. Allele origin: germline.

KCCC/NGS Laboratory, Kuwait Cancer Control Center
Classification: Benign for Neurofibromatosis, type 1. Last evaluated: 2025-02-01. Review status: criteria provided, single submitter. Criteria: ACMG Guidelines, 2015. Collection method: clinical testing. Allele origin: germline. Affected: no.

Mayo Clinic Laboratories, Mayo Clinic
Classification: Likely benign. Last evaluated: 2024-10-30. Review status: criteria provided, single submitter. Criteria: ACMG Guidelines, 2015. Collection method: clinical testing. Allele origin: germline. Observed: 4 variant alleles.
Comment: BS1, BP4, BP5, BP7

ARUP Laboratories, Molecular Genetics and Genomics, ARUP Laboratories
Classification: Benign. Last evaluated: 2024-07-10. Review status: criteria provided, single submitter. Criteria: ARUP Molecular Germline Variant Investigation Process 2024. Collection method: clinical testing. Allele origin: germline.

KCCC/NGS Laboratory, Kuwait Cancer Control Center
Classification: Benign for Neurofibromatosis, familial spinal. Last evaluated: 2023-07-07. Review status: criteria provided, single submitter. Criteria: ACMG Guidelines, 2015. Collection method: clinical testing. Allele origin: germline. Affected: yes.

Genome-Nilou Lab
Classification: Benign for Neurofibromatosis, type 1. Last evaluated: 2022-03-15. Review status: criteria provided, single submitter. Criteria: ACMG Guidelines, 2015. Collection method: clinical testing. Allele origin: germline. Affected: no.

Department of Pathology and Laboratory Medicine, Sinai Health System
Classification: Benign for Neurofibromatosis, type 1. Last evaluated: 2021-08-17. Review status: criteria provided, single submitter. Criteria: ACMG Guidelines, 2015. Collection method: clinical testing. Allele origin: germline. Affected: yes.

Genome Diagnostics Laboratory, The Hospital for Sick Children
Classification: Benign for Neurofibromatosis, type 1. Last evaluated: 2020-10-26. Review status: criteria provided, single submitter. Criteria: ACMG Guidelines, 2015. Collection method: clinical testing. Allele origin: germline. Affected: yes.

GeneDx
Classification: Benign. Last evaluated: 2019-07-01. Review status: criteria provided, single submitter. Criteria: GeneDx Variant Classification Process June 2021. Collection method: clinical testing. Allele origin: germline. Affected: yes.
Comment: This variant is associated with the following publications: (PMID: 12552569, 26979654, 15146469, 15060124, 15994866, 15863657, 16944272, 27182040, 17726231, 27535533, 28536309)

Ambry Genetics
Classification: Likely benign for Cardiovascular phenotype; Hereditary cancer-predisposing syndrome. Last evaluated: 2019-05-08. Review status: criteria provided, single submitter. Criteria: Ambry Variant Classification Scheme 2023. Collection method: clinical testing. Allele origin: germline.

Women's Health and Genetics/Laboratory Corporation of America, LabCorp
Classification: Benign. Last evaluated: 2017-07-21. Review status: criteria provided, single submitter. Criteria: LabCorp Variant Classification Summary - May 2015. Collection method: clinical testing. Allele origin: germline.
Comment: Variant summary: The NF1 c.846G>A (p.Gln282Gln) variant involves the alteration of a non-conserved nucleotide, resulting in a synonymous change. One in silico tool predicts a damaging outcome for this variant. 5/5 splice prediction tools predict no significant impact on normal splicing. ESE finder predicts that this variant does not affect any ESE site. This variant was found in 706/116664 control chromosomes (23 homozygotes) at a frequency of 0.0060516, which is approximately 29 times the estimated maximal expected allele frequency of a pathogenic NF1 variant (0.0002084), suggesting this variant is likely a benign polymorphism. In addition, multiple clinical diagnostic laboratories/reputable databases classified this variant as likely benign/benign. Taken together, this variant is classified as benign.

Illumina Laboratory Services, Illumina
Classification: Likely benign for Neurofibromatosis, familial spinal. Last evaluated: 2017-04-27. Review status: criteria provided, single submitter. Criteria: ICSL Variant Classification Criteria 13 December 2019. Collection method: clinical testing. Allele origin: germline.
Comment: This variant was observed as part of a predisposition screen in an ostensibly healthy population. A literature search was performed for the gene, cDNA change, and amino acid change (where applicable). No publications were found based on this search. Allele frequency data from public databases allowed determination this variant is unlikely to cause disease. Therefore, this variant is classified as likely benign.

Illumina Laboratory Services, Illumina
Classification: Likely benign for Neurofibromatosis, type 1. Last evaluated: 2017-04-27. Review status: criteria provided, single submitter. Criteria: ICSL Variant Classification Criteria 13 December 2019. Collection method: clinical testing. Allele origin: germline.
Comment: This variant was observed as part of a predisposition screen in an ostensibly healthy population. A literature search was performed for the gene, cDNA change, and amino acid change (where applicable). Publications were found based on this search. The evidence from the literature, in combination with allele frequency data from public databases where available, was sufficient to determine this variant is unlikely to cause disease. Therefore, this variant is classified as likely benign.

Illumina Laboratory Services, Illumina
Classification: Likely benign for Neurofibromatosis-Noonan syndrome. Last evaluated: 2017-04-27. Review status: criteria provided, single submitter. Criteria: ICSL Variant Classification Criteria 13 December 2019. Collection method: clinical testing. Allele origin: germline.
Comment: the same text as in the submission from Illumina Laboratory Services, Illumina above.

Illumina Laboratory Services, Illumina
Classification: Likely benign for Café-au-lait macules with pulmonary stenosis. Last evaluated: 2017-04-27. Review status: criteria provided, single submitter. Criteria: ICSL Variant Classification Criteria 13 December 2019. Collection method: clinical testing. Allele origin: germline.
Comment: the same text as in the submission from Illumina Laboratory Services, Illumina above.

Center for Pediatric Genomic Medicine, Children's Mercy Hospital and Clinics
Classification: Benign. Last evaluated: 2017-03-31. Review status: criteria provided, single submitter. Criteria: ACMG Guidelines, 2015. Collection method: clinical testing. Allele origin: germline.

Laboratory for Molecular Medicine, Mass General Brigham Personalized Medicine
Classification: Benign. Last evaluated: 2015-10-08. Review status: criteria provided, single submitter. Criteria: LMM Criteria. Collection method: clinical testing. Allele origin: germline. Observed: 6 variant alleles.
Comment: p.Gln282Gln in exon 8 of NF1: This variant is not expected to have clinical sign ificance because it has been identified in 3.43% (542/15784) of South Asian chro mosomes by the Exome Aggregation Consortium (ExAC, g; dbSNP rs138840528).

Ambry Genetics
Classification: Likely benign for Hereditary cancer-predisposing syndrome. Last evaluated: 2014-07-16. Review status: criteria provided, single submitter. Criteria: Ambry Autosomal Dominant and X-Linked criteria (10/2015). Collection method: clinical testing. Allele origin: germline. Observed: 1 variant allele.

Breakthrough Genomics
Classification: Likely benign. Review status: criteria provided, single submitter. Criteria: ACMG Guidelines, 2015. Collection method: not provided. Allele origin: germline. Inheritance: Autosomal dominant inheritance. Affected: yes.

Broad Center for Mendelian Genomics, Broad Institute of MIT and Harvard
Classification: Benign for Myopathy, centronuclear, 5. Review status: criteria provided, single submitter. Criteria: ACMG Guidelines, 2015. Collection method: research. Allele origin: germline. Inheritance: Autosomal dominant inheritance. Affected: yes.
Comment: The heterozygous c.846G>A (p.Gln282=) variant in NF1 has been identified in an individual with neurofibromatosis (PMID: 15060124), and has been identified in >3% of South Asian chromosomes and 23 homozygotes by ExAC. In summary, this variant meets criteria to be classified as benign for autosomal dominant neurofibromatosis.

PreventionGenetics, part of Exact Sciences
Classification: Benign. Review status: criteria provided, single submitter. Criteria: ACMG Guidelines, 2015. Collection method: clinical testing. Allele origin: germline.

Clinical Genetics DNA and cytogenetics Diagnostics Lab, Erasmus MC, Erasmus Medical Center
Classification: Benign. Review status: no assertion criteria provided. Collection method: clinical testing. Allele origin: germline. Affected: yes. Study: VKGL Data-share Consensus. Not counted in ClinVar's aggregate classification.

Diagnostic Laboratory, Department of Genetics, University Medical Center Groningen
Classification: Likely benign. Review status: no assertion criteria provided. Collection method: clinical testing. Allele origin: germline. Affected: yes. Study: VKGL Data-share Consensus. Not counted in ClinVar's aggregate classification.

Genome Diagnostics Laboratory, Amsterdam University Medical Center
Classification: Benign. Review status: no assertion criteria provided. Collection method: clinical testing. Allele origin: germline. Affected: yes. Study: VKGL Data-share Consensus. Not counted in ClinVar's aggregate classification.

Joint Genome Diagnostic Labs from Nijmegen and Maastricht, Radboudumc and MUMC+
Classification: Likely benign. Review status: no assertion criteria provided. Collection method: clinical testing. Allele origin: germline. Affected: yes. Study: VKGL Data-share Consensus. Not counted in ClinVar's aggregate classification.

Literature cited by the submitters: PubMed 15060124 (cited by 4 submitters); PubMed 12552569 (cited by Illumina Laboratory Services, Illumina); PubMed 10862084 (cited by Illumina Laboratory Services, Illumina); PubMed 16944272 (cited by Laboratory for Molecular Medicine, Mass General Brigham Personalized Medicine); PubMed 15863657 (cited by Laboratory for Molecular Medicine, Mass General Brigham Personalized Medicine); PubMed 17726231 (cited by Ambry Genetics).